The following is an entry in ClinVar:

ClinVar aggregate classification (germline): Likely benign. Review status: criteria provided, multiple submitters, no conflicts (2 of 4 stars). 3 submissions from 3 submitters: Likely benign (3). Last evaluated 2025-11-17.

Conditions:
Catecholaminergic polymorphic ventricular tachycardia (CVPT). Also called: Catecholamine-induced polymorphic ventricular tachycardia. Identifiers: Orphanet 3286, MedGen C5574922, MONDO:0017990.
Catecholaminergic polymorphic ventricular tachycardia 1. Also called: VENTRICULAR TACHYCARDIA, CATECHOLAMINERGIC POLYMORPHIC, 1, WITH OR WITHOUT ATRIAL DYSFUNCTION AND/OR DILATED CARDIOMYOPATHY; VENTRICULAR TACHYCARDIA, STRESS-INDUCED POLYMORPHIC 1; RYR2-Related Catecholaminergic Polymorphic Ventricular Tachycardia. Identifiers: Orphanet 3286, MedGen C1631597, MONDO:0011484, OMIM 604772.
Cardiomyopathy (CMYO). Also called: Cardiomyopathies. Identifiers: Orphanet 167848, MedGen C0878544, MONDO:0004994, HP:0001638. Inheritance: Various modes of inheritance.

Allele frequency attached by ClinVar (database versions not stated): gnomAD 0.00001; gnomAD exomes 0.00001; ExAC 0.00002; TOPMed 0.00002.
gnomAD v4.1: 6 of 1,613,730 alleles (0.00037%); highest among the groups gnomAD compares: African/African-American, 0.0027%; no homozygotes.

Submissions (3):

Labcorp Genetics (formerly Invitae), Labcorp
Classification: Likely benign for Catecholaminergic polymorphic ventricular tachycardia 1. Last evaluated: 2025-11-17. Review status: criteria provided, single submitter. Criteria: Invitae Variant Classification Sherloc (09022015). Collection method: clinical testing. Allele origin: germline.

All of Us Research Program, National Institutes of Health
Classification: Likely benign for Catecholaminergic polymorphic ventricular tachycardia. Last evaluated: 2024-01-11. Review status: criteria provided, single submitter. Criteria: ACMG Guidelines, 2015. Collection method: clinical testing. Allele origin: germline. Inheritance: Autosomal dominant inheritance. Observed: 3 variant alleles, 3 heterozygotes.
Comment: This study involves interpretation of variants in research participants for the purpose of population health screening. Participant phenotype was not available at the time of variant classification. Additional details can be found in publication PMID: 35346344, PMCID: PMC8962531

Color Diagnostics, LLC DBA Color Health
Classification: Likely benign for Cardiomyopathy. Last evaluated: 2018-12-03. Review status: criteria provided, single submitter. Criteria: ACMG Guidelines, 2015. Collection method: clinical testing. Allele origin: germline.

NM_001035.3(RYR2):c.939C>T (p.Asn313=)

Gene: RYR2 (ryanodine receptor 2; plus strand). Cytogenetic location: 1q43.
Variant type: single nucleotide variant.
Coding change: c.939C>T on transcript NM_001035.3 (MANE Select); coding-DNA position 939, C replaced by T.
Protein change: p.Asn313=; no amino-acid change (asparagine 313 retained).
Molecular consequence: synonymous variant.
Genome position (GRCh38, 1-based): chr1:237,423,182, C>T. VCF-style: chr1-237423182-C-T. GRCh37 (hg19) VCF-style: chr1-237586482-C-T.
Identifiers: ClinVar variation 707257 (VCV000707257.11), dbSNP rs925308875, ClinGen allele CA1474914.
Genomic context (GRCh38, chr1:237,423,182, plus strand): 5'-GCCATTCCGACTACGCCATGTCACAACAGGAAAATACTTGAGTCTCATGGAAGACAAAAA[C>T]CTTCTACTCATGGACAAAGAGAAAGCTGATGTAAAATCAACAGCATTTACCTTCCGGTCT-3'
Protein context (NP_001026.2, residues 303-323): GKYLSLMEDK[Asn313=]LLLMDKEKAD